The following is an entry in ClinVar:

NM_000551.4(VHL):c.426del (p.Asp143fs)

Genes: VHL (von Hippel-Lindau tumor suppressor; plus strand), LOC107303340 (3p25 von Hippel-Lindau tumor suppressor, E3 ubiquitin protein ligase Alu-mediated recombination region; plus strand). Cytogenetic location: 3p25.3.
Variant type: Deletion.
Coding change: c.426del on transcript NM_000551.4 (MANE Select); coding-DNA position 426, one base deleted (T; older notation c.426delT).
Protein change: p.Asp143fs; shifts the reading frame from aspartic acid 143.
Molecular consequence: frameshift variant. On other transcripts: intron variant (2).
Genome position (GRCh38, 1-based): chr3:10,146,599, T deleted; the last of 2 consecutive T bases (chr3:10,146,598-10,146,599); deleting either gives the same sequence. VCF-style (leftmost placement, unchanged base first): chr3-10146597-GT-G. GRCh37 (hg19) VCF-style: chr3-10188281-GT-G.
Other names: c.*18-3188del (NM_001354723.2); c.341-3188del (NM_198156.3); short protein forms D143fs.
Identifiers: ClinVar variation 1739241 (VCV001739241.2), dbSNP rs2470165396, ClinGen allele CA432421883.

ClinVar aggregate classification (germline): Pathogenic (1 of 4 stars; one submission).

Conditions:
Hereditary cancer-predisposing syndrome. Also called: Hereditary Cancer Syndrome; Hereditary neoplastic syndrome; Neoplastic Syndromes, Hereditary; Tumor predisposition. Identifiers: Orphanet 140162, MedGen C0027672, MeSH D009386, MONDO:0015356.

Submission:

Ambry Genetics
Classification: Pathogenic for Hereditary cancer-predisposing syndrome. Last evaluated: 2019-09-30. Review status: criteria provided, single submitter. Criteria: Ambry Variant Classification Scheme 2023. Collection method: clinical testing. Allele origin: germline.
Comment: The c.426delT pathogenic mutation, located in coding exon 2 of the VHL gene, results from a deletion of one nucleotide at nucleotide position 426, causing a translational frameshift with a predicted alternate stop codon (p.D143Tfs*16). This alteration is expected to result in loss of function by premature protein truncation or nonsense-mediated mRNA decay. As such, this alteration is interpreted as a disease-causing mutation.